The following is an entry in ClinVar:

ClinVar aggregate classification (germline): Uncertain significance. Review status: criteria provided, multiple submitters, no conflicts (2 of 4 stars). 3 submissions from 3 submitters: Uncertain significance (3). Last evaluated 2024-04-17.

Conditions:
Ehlers-Danlos syndrome, type 4 (EDSVASC). Also called: Ehlers-Danlos Syndrome Type IV; Ehlers-Danlos syndrome vascular type; Ehlers Danlos syndrome, ecchymotic type; Ehlers Danlos syndrome, arterial type; Ehlers Danlos syndrome, Sack-Barabas type. Identifiers: Orphanet 286, MedGen C0268338, MONDO:0017314, OMIM 130050.
Familial thoracic aortic aneurysm and aortic dissection (TAAD). Also called: Thoracic aortic aneurysms and dissections. Identifiers: Orphanet 91387, MedGen C4707243, MONDO:0019625.

Allele frequency attached by ClinVar (database versions not stated): TOPMed 0.00001.
gnomAD v4.1: 9 of 1,603,072 alleles (0.00056%); highest among the groups gnomAD compares: South Asian, 0.0011%; no homozygotes.

Submissions (3):

Labcorp Genetics (formerly Invitae), Labcorp
Classification: Uncertain significance for Ehlers-Danlos syndrome, type 4. Last evaluated: 2024-04-17. Review status: criteria provided, single submitter. Criteria: Invitae Variant Classification Sherloc (09022015). Collection method: clinical testing. Allele origin: germline.
Comment: This sequence change replaces proline, which is neutral and non-polar, with serine, which is neutral and polar, at codon 700 of the COL3A1 protein (p.Pro700Ser). The frequency data for this variant in the population databases is considered unreliable, as metrics indicate poor data quality at this position in the gnomAD database. This variant has not been reported in the literature in individuals affected with COL3A1-related conditions. ClinVar contains an entry for this variant (Variation ID: 923818). Advanced modeling of protein sequence and biophysical properties (such as structural, functional, and spatial information, amino acid conservation, physicochemical variation, residue mobility, and thermodynamic stability) performed at Invitae indicates that this missense variant is not expected to disrupt COL3A1 protein function with a negative predictive value of 95%. In summary, the available evidence is currently insufficient to determine the role of this variant in disease. Therefore, it has been classified as a Variant of Uncertain Significance.

Color Diagnostics, LLC DBA Color Health
Classification: Uncertain significance for Familial thoracic aortic aneurysm and aortic dissection. Last evaluated: 2024-03-06. Review status: criteria provided, single submitter. Criteria: ACMG Guidelines, 2015. Collection method: clinical testing. Allele origin: germline.
Comment: This missense variant replaces proline with serine at codon 700 of the COL3A1 protein. Computational prediction suggests that this variant may not impact protein structure and function (internally defined REVEL score threshold <= 0.5, PMID: 27666373). To our knowledge, functional studies have not been reported for this variant. This variant has not been reported in individuals affected with COL3A1-related disorders in the literature. This variant has been identified in 1/226402 chromosomes in the general population by the Genome Aggregation Database (gnomAD). The available evidence is insufficient to determine the role of this variant in disease conclusively. Therefore, this variant is classified as a Variant of Uncertain Significance.

All of Us Research Program, National Institutes of Health
Classification: Uncertain significance for Ehlers-Danlos syndrome, type 4. Last evaluated: 2023-03-23. Review status: criteria provided, single submitter. Criteria: ACMG Guidelines, 2015. Collection method: clinical testing. Allele origin: germline. Inheritance: Autosomal dominant inheritance. Observed: 1 variant allele, 1 heterozygote.
Comment: This missense variant replaces proline with serine at codon 700 of the COL3A1 protein. Computational prediction suggests that this variant may not impact protein structure and function (internally defined REVEL score threshold <= 0.5, PMID: 27666373). Splice site prediction tools suggest that this variant may not impact RNA splicing. To our knowledge, functional studies have not been performed for this variant. This variant has not been reported in individuals affected with cardiovascular disorders in the literature. This variant has been identified in 1/226402 chromosomes in the general population by the Genome Aggregation Database (gnomAD). The available evidence is insufficient to determine the role of this variant in disease conclusively. Therefore, this variant is classified as a Variant of Uncertain Significance.

This study involves interpretation of variants in research participants for the purpose of population health screening. Participant phenotype was not available at the time of variant classification. Additional details can be found in publication PMID: 35346344, PMCID: PMC8962531

NM_000090.4(COL3A1):c.2098C>T (p.Pro700Ser)

Gene: COL3A1 (collagen type III alpha 1 chain; plus strand). Cytogenetic location: 2q32.2.
Variant type: single nucleotide variant.
Coding change: c.2098C>T on transcript NM_000090.4 (MANE Select); coding-DNA position 2098, C replaced by T.
Protein change: p.Pro700Ser; replaces proline 700 with serine.
Molecular consequence: missense variant.
Genome position (GRCh38, 1-based): chr2:188,999,360, C>T. VCF-style: chr2-188999360-C-T. GRCh37 (hg19) VCF-style: chr2-189864086-C-T.
Other names: short protein forms P700S.
Identifiers: ClinVar variation 923818 (VCV000923818.12), dbSNP rs1261828944, ClinGen allele CA349840291.